The following is an entry in ClinVar:

ClinVar aggregate classification (germline): Uncertain significance. Review status: criteria provided, multiple submitters, no conflicts (2 of 4 stars). 2 submissions from 2 submitters: Uncertain significance (2). Last evaluated 2025-11-21.

gnomAD v4.1: 23 of 1,613,976 alleles (0.0014%); highest among the groups gnomAD compares: South Asian, 0.0033%; no homozygotes.

Submissions (2):

Labcorp Genetics (formerly Invitae), Labcorp
Classification: Uncertain significance. Last evaluated: 2025-11-21. Review status: criteria provided, single submitter. Criteria: Invitae Variant Classification Sherloc (09022015). Collection method: clinical testing. Allele origin: germline.
Comment: This sequence change replaces isoleucine, which is neutral and non-polar, with methionine, which is neutral and non-polar, at codon 187 of the C1S protein (p.Ile187Met). This variant is present in population databases (rs143509101, gnomAD 0.003%). This variant has not been reported in the literature in individuals affected with C1S-related conditions. ClinVar contains an entry for this variant (Variation ID: 2049798). Invitae Evidence Modeling of protein sequence and biophysical properties (such as structural, functional, and spatial information, amino acid conservation, physicochemical variation, residue mobility, and thermodynamic stability) indicates that this missense variant is expected to disrupt C1S protein function with a positive predictive value of 80%. In summary, the available evidence is currently insufficient to determine the role of this variant in disease. Therefore, it has been classified as a Variant of Uncertain Significance.

Dasa
Classification: Uncertain significance. Last evaluated: 2024-12-14. Review status: criteria provided, single submitter. Criteria: DASA Assertion Criteria. Collection method: clinical testing. Allele origin: germline.
Comment: NM_001734.5(C1S):c.561T>G (p.Ile187Met) is a missense variant that results in the substitution of isoleucine with methionine. This variant is rare in population databases. Computational prediction algorithms are consistent with a benign effect. The currently available literature and clinical evidence are not sufficient to establish a definitive association between this variant and the reported condition. Therefore, this variant is classified as a variant of uncertain significance.

NM_001734.5(C1S):c.561T>G (p.Ile187Met)

Gene: C1S (complement C1s; plus strand). Cytogenetic location: 12p13.31.
Variant type: single nucleotide variant.
Coding change: c.561T>G on transcript NM_001734.5 (MANE Select); coding-DNA position 561, T replaced by G.
Protein change: p.Ile187Met; replaces isoleucine 187 with methionine.
Molecular consequence: missense variant.
Genome position (GRCh38, 1-based): chr12:7,065,143, T>G. VCF-style: chr12-7065143-T-G. GRCh37 (hg19) VCF-style: chr12-7172447-T-G.
Other names: c.60T>G, p.Ile20Met (NM_001346850.2); c.561T>G, p.Ile187Met (NM_201442.4); short protein forms I187M, I20M.
Identifiers: ClinVar variation 2049798 (VCV002049798.6), dbSNP rs143509101, ClinGen allele CA6423499.
Genomic context (GRCh38, chr12:7,065,143, plus strand): 5'-CTCTTTTTCTCTGTTAGTTAATTGCAGTGGGGATGTATTCACTGCACTGATTGGGGAGAT[T>G]GCAAGTCCCAATTATCCCAAACCATATCCAGAGAACTCAAGGTGTGAATACCAGATCCGG-3'
Protein context (NP_001725.1, residues 177-197): GDVFTALIGE[Ile187Met]ASPNYPKPYP